The following is an entry in ClinVar:

ClinVar aggregate classification (germline): Likely pathogenic (1 of 4 stars; one submission).

Conditions:
Cardiovascular phenotype. Identifiers: MedGen CN230736.

Submission:

Ambry Genetics
Classification: Likely pathogenic for Cardiovascular phenotype. Last evaluated: 2023-02-21. Review status: criteria provided, single submitter. Criteria: Ambry Variant Classification Scheme 2023. Collection method: clinical testing. Allele origin: germline.
Comment: The c.34695delC variant, located in coding exon 131 of the TTN gene, results from a deletion of one nucleotide at nucleotide position 34695, causing a translational frameshift with a predicted alternate stop codon (p.N11566Tfs*3). This exon is located in the A-band region of the N2-B isoform of the titin protein and is constitutively expressed in TTN transcripts (percent spliced in or PSI 100%). This variant is considered to be rare based on population cohorts in the Genome Aggregation Database (gnomAD). This alteration is expected to result in loss of function by premature protein truncation or nonsense-mediated mRNA decay. While truncating variants in TTN are present in 1-3% of the general population, truncating variants in the A-band are the most common cause of dilated cardiomyopathy (DCM) (Herman DS et al. N. Engl. J. Med., 2012 Feb;366:619-28; Roberts AM et al. Sci Transl Med, 2015 Jan;7:270ra6). TTN truncating variants encoded in constitutive exons (PSI >90%) have been found to be significantly associated with DCM regardless of their position in titin (Schafer S et al. Nat. Genet., 2017 01;49:46-53). Based on the majority of available evidence to date, this variant is likely to be pathogenic.

NM_001267550.2(TTN):c.61890del (p.Asn20631fs)

Genes: TTN (titin; minus strand), TTN-AS1 (TTN antisense RNA 1; plus strand). Cytogenetic location: 2q31.2.
Variant type: Deletion.
Coding change: c.61890del on transcript NM_001267550.2 (MANE Select); coding-DNA position 61890, one base deleted (C; older notation c.61890delC).
Protein change: p.Asn20631fs; shifts the reading frame from asparagine 20631.
Molecular consequence: frameshift variant.
Genome position (GRCh38, 1-based): chr2:178,589,835, G deleted on the plus strand (C on the coding strand, the reverse complement: TTN is on the minus strand); the first of 2 consecutive G bases (chr2:178,589,835-178,589,836); deleting either gives the same sequence. VCF-style (leftmost placement, unchanged base first): chr2-178589834-TG-T. GRCh37 (hg19) VCF-style: chr2-179454561-TG-T.
Other names: c.56967del, p.Asn18990fs (NM_001256850.1); c.34695del, p.Asn11566fs (NM_003319.4); c.54186del, p.Asn18063fs (NM_133378.4); c.35070del, p.Asn11691fs (NM_133432.3); c.35271del, p.Asn11758fs (NM_133437.4); c.34695delC (NM_003319.4); short protein forms N11758fs, N11566fs, N18063fs, N18990fs, N20631fs, N11691fs.
Identifiers: ClinVar variation 2451929 (VCV002451929.2), dbSNP rs2469410613, ClinGen allele CA2580064675.